The following is an entry in ClinVar:

NM_001101362.3(KBTBD13):c.437G>C (p.Arg146Pro)

Gene: KBTBD13 (kelch repeat and BTB domain containing 13; plus strand). Cytogenetic location: 15q22.31.
Variant type: single nucleotide variant.
Coding change: c.437G>C on transcript NM_001101362.3 (MANE Select); coding-DNA position 437, G replaced by C.
Protein change: p.Arg146Pro; replaces arginine 146 with proline.
Molecular consequence: missense variant.
Genome position (GRCh38, 1-based): chr15:65,077,252, G>C. VCF-style: chr15-65077252-G-C. GRCh37 (hg19) VCF-style: chr15-65369590-G-C.
Other names: short protein forms R146P.
Identifiers: ClinVar variation 3659661 (VCV003659661.2).

ClinVar aggregate classification (germline): Uncertain significance (1 of 4 stars; one submission).

Conditions:
Nemaline myopathy 6 (NEM6). Also called: Nemaline myopathy 6, autosomal dominant. Identifiers: Orphanet 171439, MedGen C1836472, MONDO:0012237, OMIM 609273.

Submission:

Labcorp Genetics (formerly Invitae), Labcorp
Classification: Uncertain significance for Nemaline myopathy 6. Last evaluated: 2025-03-04. Review status: criteria provided, single submitter. Criteria: Invitae Variant Classification Sherloc (09022015). Collection method: clinical testing. Allele origin: germline.
Comment: This sequence change replaces arginine, which is basic and polar, with proline, which is neutral and non-polar, at codon 146 of the KBTBD13 protein (p.Arg146Pro). This variant is not present in population databases (gnomAD no frequency). This variant has not been reported in the literature in individuals affected with KBTBD13-related conditions. Invitae Evidence Modeling of protein sequence and biophysical properties (such as structural, functional, and spatial information, amino acid conservation, physicochemical variation, residue mobility, and thermodynamic stability) indicates that this missense variant is not expected to disrupt KBTBD13 protein function with a negative predictive value of 80%. In summary, the available evidence is currently insufficient to determine the role of this variant in disease. Therefore, it has been classified as a Variant of Uncertain Significance.